The following is an entry in ClinVar:

NM_000171.4(GLRA1):c.1157ACA[1] (p.Asn387del)

Gene: GLRA1 (glycine receptor alpha 1; minus strand). Cytogenetic location: 5q33.1.
Variant type: Microsatellite.
Coding change: c.1157ACA[1] on transcript NM_000171.4 (MANE Select); one copy of the 3-base unit ACA starting at c.1157; the reference has two copies in a row; one copy, 3 bases deleted.
Protein change: p.Asn387del; deletes asparagine 387.
Molecular consequence: inframe deletion.
Genome position (GRCh38, 1-based): chr5:151,822,861-151,822,863, TGT deleted on the plus strand (ACA on the coding strand, the reverse complement: GLRA1 is on the minus strand); deleting any 3 consecutive bases within chr5:151,822,861-151,822,868 gives the same sequence; the position shown is the placement nearest the transcript's 3' end. VCF-style (leftmost placement, unchanged base first): chr5-151822860-CTGT-C. GRCh37 (hg19) VCF-style: chr5-151202421-CTGT-C.
Other names: c.1181ACA[1], p.Asn395del (NM_001146040.2); c.908ACA[1], p.Asn304del (NM_001292000.2); short protein forms N304del, N387del, N395del.
Identifiers: ClinVar variation 2187721 (VCV002187721.4), dbSNP rs1433657705, ClinGen allele CA563958360.
Genomic context (GRCh38, chr5:151,822,860, plus strand): 5'-AAGAGTTTTCGCATCTCCTCTGGGGACTTAGATGGTGCAGGAGGGGGGTTGGTGGTGTTA[CTGT>C]TGTTGGCGCCCTTGACTGAGATGCCATCCTTGGCCTGTAGACAGGCTGGGCCCATCCCAT-3'

ClinVar aggregate classification (germline): Uncertain significance (1 of 4 stars; one submission).

Conditions:
Hereditary hyperekplexia. Identifiers: Orphanet 3197, MedGen C4084968, MONDO:0021022.

Submission:

Labcorp Genetics (formerly Invitae), Labcorp
Classification: Uncertain significance for Hereditary hyperekplexia. Last evaluated: 2026-01-11. Review status: criteria provided, single submitter. Criteria: Invitae Variant Classification Sherloc (09022015). Collection method: clinical testing. Allele origin: germline.
Comment: This variant, c.1160_1162del, results in the deletion of 1 amino acid(s) of the GLRA1 protein (p.Asn387del), but otherwise preserves the integrity of the reading frame. This variant is present in population databases (no rsID available, gnomAD 0.1%). This variant has not been reported in the literature in individuals affected with GLRA1-related conditions. Experimental studies and prediction algorithms are not available or were not evaluated, and the functional significance of this variant is currently unknown. In summary, the available evidence is currently insufficient to determine the role of this variant in disease. Therefore, it has been classified as a Variant of Uncertain Significance.